The following is an entry in ClinVar:

NM_000051.4(ATM):c.3783T>G (p.Ile1261Met)

Gene: ATM (ATM serine/threonine kinase; plus strand). Cytogenetic location: 11q22.3.
Variant type: single nucleotide variant.
Coding change: c.3783T>G on transcript NM_000051.4 (MANE Select); coding-DNA position 3783, T replaced by G.
Protein change: p.Ile1261Met; replaces isoleucine 1261 with methionine.
Molecular consequence: missense variant.
Genome position (GRCh38, 1-based): chr11:108,284,263, T>G. VCF-style: chr11-108284263-T-G. GRCh37 (hg19) VCF-style: chr11-108154990-T-G.
Other names: c.3783T>G (NM_000051.2); c.3783T>G, p.Ile1261Met (NM_001351834.2); short protein forms I1261M.
Identifiers: ClinVar variation 569539 (VCV000569539.15), dbSNP rs1005444925, ClinGen allele CA228368109.
Genomic context (GRCh38, chr11:108,284,263, plus strand): 5'-TATTTTAAATTTTTCTATTTTTAGATCTTGTTATAAGGTTTTGATTCCACATCTGGTGAT[T>G]AGAAGTCATTTTGATGAGGTGAAGTCCATTGCTAATCAGATTCAAGAGGACTGGAAAAGT-3'
Protein context (NP_000042.3, residues 1251-1271): CYKVLIPHLV[Ile1261Met]RSHFDEVKSI

ClinVar aggregate classification (germline): Conflicting classifications of pathogenicity. Review status: criteria provided, conflicting classifications (1 of 4 stars). 5 submissions from 5 submitters: Uncertain significance (4); Likely benign (1). Last evaluated 2025-10-16.

Conditions:
Hereditary cancer-predisposing syndrome. Also called: Hereditary neoplastic syndrome; Neoplastic Syndromes, Hereditary; Hereditary Cancer Syndrome; Tumor predisposition. Identifiers: Orphanet 140162, MedGen C0027672, MeSH D009386, MONDO:0015356.
Ataxia-telangiectasia syndrome (AT). Also called: AT, COMPLEMENTATION GROUP C; Cerebello-oculocutaneous telangiectasia; Immunodeficiency with ataxia telangiectasia; Ataxia-telangiectasia, complementation group D; ATAXIA-TELANGIECTASIA, FRESNO VARIANT; Ataxia-telangiectasia, complementation group E. Identifiers: Orphanet 100, MedGen C0004135, MONDO:0008840, OMIM 208900.
Familial colorectal cancer type X. Identifiers: Orphanet 440437, MedGen C3896578, MONDO:0018604.

Submissions (5):

Labcorp Genetics (formerly Invitae), Labcorp
Classification: Uncertain significance for Ataxia-telangiectasia syndrome. Last evaluated: 2025-10-16. Review status: criteria provided, single submitter. Criteria: Invitae Variant Classification Sherloc (09022015). Collection method: clinical testing. Allele origin: germline.
Comment: This sequence change replaces isoleucine, which is neutral and non-polar, with methionine, which is neutral and non-polar, at codon 1261 of the ATM protein (p.Ile1261Met). This variant is not present in population databases (gnomAD no frequency). This variant has not been reported in the literature in individuals affected with ATM-related conditions. ClinVar contains an entry for this variant (Variation ID: 569539). Invitae Evidence Modeling of protein sequence and biophysical properties (such as structural, functional, and spatial information, amino acid conservation, physicochemical variation, residue mobility, and thermodynamic stability) indicates that this missense variant is not expected to disrupt ATM protein function with a negative predictive value of 95%. In summary, the available evidence is currently insufficient to determine the role of this variant in disease. Therefore, it has been classified as a Variant of Uncertain Significance.

Ambry Genetics
Classification: Likely benign for Hereditary cancer-predisposing syndrome. Last evaluated: 2025-05-05. Review status: criteria provided, single submitter. Criteria: Ambry Variant Classification Scheme 2023. Collection method: clinical testing. Allele origin: germline.

Department of Pathology and Laboratory Medicine, Sinai Health System
Classification: Uncertain significance for Familial colorectal cancer type X. Last evaluated: 2022-09-23. Review status: criteria provided, single submitter. Criteria: ACMG Guidelines, 2015. Collection method: clinical testing. Allele origin: germline. Affected: yes.

Mendelics
Classification: Uncertain significance. Last evaluated: 2022-05-04. Review status: criteria provided, single submitter. Criteria: Mendelics Assertion Criteria 2019. Collection method: clinical testing. Allele origin: germline.

GeneDx
Classification: Uncertain significance. Last evaluated: 2020-05-14. Review status: criteria provided, single submitter. Criteria: GeneDx Variant Classification Process June 2021. Collection method: clinical testing. Allele origin: germline. Affected: yes.
Comment: Not observed in large population cohorts (Lek 2016); In silico analysis supports that this missense variant does not alter protein structure/function; Has not been previously published as pathogenic or benign to our knowledge